The following is an entry in ClinVar:

NM_000548.5(TSC2):c.1927T>A (p.Tyr643Asn)

Gene: TSC2 (TSC complex subunit 2; plus strand). Cytogenetic location: 16p13.3.
Variant type: single nucleotide variant.
Coding change: c.1927T>A on transcript NM_000548.5 (MANE Select); coding-DNA position 1927, T replaced by A.
Protein change: p.Tyr643Asn; replaces tyrosine 643 with asparagine.
Molecular consequence: missense variant. On other transcripts: non-coding transcript variant (5).
Genome position (GRCh38, 1-based): chr16:2,071,597, T>A. VCF-style: chr16-2071597-T-A. GRCh37 (hg19) VCF-style: chr16-2121598-T-A.
Other names: c.1927T>A, p.Tyr643Asn (NM_001077183.3, NM_001114382.3, NM_001363528.2 and 6 more transcripts); c.1816T>A, p.Tyr606Asn (NM_001318827.2, NM_001406670.1, NM_001406678.1); c.1780T>A, p.Tyr594Asn (NM_001318829.2, NM_001406675.1, NM_001406676.1 and 1 more transcripts); c.1327T>A, p.Tyr443Asn (NM_001318831.2, NM_001406680.1, NM_001406682.1 and 6 more transcripts); c.1960T>A, p.Tyr654Asn (NM_001318832.2); c.2017T>A, p.Tyr673Asn (NM_001406667.1, NM_001406668.1); c.1915T>A, p.Tyr639Asn (NM_001406671.1, NM_001406673.1); c.1870T>A, p.Tyr624Asn (NM_001406677.1); and 3 more; short protein forms Y109N, Y195N, Y624N, Y643N, Y654N, Y639N, Y673N, Y594N.
Identifiers: ClinVar variation 2564675 (VCV002564675.2), dbSNP rs2151298743, ClinGen allele CA394273290.

ClinVar aggregate classification (germline): Uncertain significance (1 of 4 stars; one submission).

Conditions:
Hereditary cancer-predisposing syndrome. Also called: Neoplastic Syndromes, Hereditary; Hereditary Cancer Syndrome; Hereditary neoplastic syndrome; Tumor predisposition. Identifiers: Orphanet 140162, MedGen C0027672, MeSH D009386, MONDO:0015356.

Submission:

Ambry Genetics
Classification: Uncertain significance for Hereditary cancer-predisposing syndrome. Last evaluated: 2023-04-18. Review status: criteria provided, single submitter. Criteria: Ambry Variant Classification Scheme 2023. Collection method: clinical testing. Allele origin: germline.
Comment: The p.Y643N variant (also known as c.1927T>A), located in coding exon 17 of the TSC2 gene, results from a T to A substitution at nucleotide position 1927. The tyrosine at codon 643 is replaced by asparagine, an amino acid with dissimilar properties. This amino acid position is conserved. In addition, this alteration is predicted to be deleterious by in silico analysis. Since supporting evidence is limited at this time, the clinical significance of this alteration remains unclear.